The following is an entry in ClinVar:

NM_000171.4(GLRA1):c.10T>G (p.Phe4Val)

Gene: GLRA1 (glycine receptor alpha 1; minus strand). Cytogenetic location: 5q33.1.
Variant type: single nucleotide variant.
Coding change: c.10T>G on transcript NM_000171.4 (MANE Select); coding-DNA position 10, T replaced by G.
Protein change: p.Phe4Val; replaces phenylalanine 4 with valine.
Molecular consequence: missense variant. On other transcripts: 5 prime UTR variant (1).
Genome position (GRCh38, 1-based): chr5:151,924,540, A>C on the plus strand (T>G on the coding strand, the complement: GLRA1 is on the minus strand). VCF-style: chr5-151924540-A-C. GRCh37 (hg19) VCF-style: chr5-151304101-A-C.
Other names: c.10T>G, p.Phe4Val (NM_001146040.2); c.-112T>G (NM_001292000.2); short protein forms F4V.
Identifiers: ClinVar variation 1013782 (VCV001013782.9), dbSNP rs753680915, ClinGen allele CA3523817.

ClinVar aggregate classification (germline): Uncertain significance (1 of 4 stars; one submission).

Conditions:
Hereditary hyperekplexia. Identifiers: Orphanet 3197, MedGen C4084968, MONDO:0021022.

Allele frequency attached by ClinVar (database versions not stated): gnomAD exomes below 0.00001 and 0.00002; gnomAD 0.00001; TOPMed 0.00001; ExAC 0.00002.
gnomAD v4.1: 2 of 1,603,464 alleles (0.00012%); highest among the groups gnomAD compares: East Asian, 0.0045%; no homozygotes.

Submission:

Labcorp Genetics (formerly Invitae), Labcorp
Classification: Uncertain significance for Hereditary hyperekplexia. Last evaluated: 2026-01-21. Review status: criteria provided, single submitter. Criteria: Invitae Variant Classification Sherloc (09022015). Collection method: clinical testing. Allele origin: germline.
Comment: This sequence change replaces phenylalanine, which is neutral and non-polar, with valine, which is neutral and non-polar, at codon 4 of the GLRA1 protein (p.Phe4Val). This variant is present in population databases (rs753680915, gnomAD 0.04%). This variant has not been reported in the literature in individuals affected with GLRA1-related conditions. ClinVar contains an entry for this variant (Variation ID: 1013782). Invitae Evidence Modeling of protein sequence and biophysical properties (such as structural, functional, and spatial information, amino acid conservation, physicochemical variation, residue mobility, and thermodynamic stability) indicates that this missense variant is not expected to disrupt GLRA1 protein function with a negative predictive value of 95%. In summary, the available evidence is currently insufficient to determine the role of this variant in disease. Therefore, it has been classified as a Variant of Uncertain Significance.